The following is an entry in ClinVar:

NM_001035.3(RYR2):c.5715+163T>C

Gene: RYR2 (ryanodine receptor 2; plus strand). Cytogenetic location: 1q43.
Variant type: single nucleotide variant.
Coding change: c.5715+163T>C on transcript NM_001035.3 (MANE Select); 163 bases into the intron after coding-DNA position 5715, T replaced by C.
Molecular consequence: intron variant.
Genome position (GRCh38, 1-based): chr1:237,615,006, T>C. VCF-style: chr1-237615006-T-C. GRCh37 (hg19) VCF-style: chr1-237778306-T-C.
Identifiers: ClinVar variation 675630 (VCV000675630.1), dbSNP rs74570075, ClinGen allele CA39829068.

ClinVar aggregate classification (germline): Likely benign (1 of 4 stars; one submission).

Allele frequency attached by ClinVar (database versions not stated): gnomAD 0.00387 and 0.00420; TOPMed 0.00421; 1000 Genomes Project 0.00479; 1000 Genomes Project 30x 0.00562.
gnomAD v4.1: 584 of 152,314 alleles (0.38%); highest among the groups gnomAD compares: African/African-American, 1.4%; 5 homozygotes.

Submission:

GeneDx
Classification: Likely benign. Last evaluated: 2018-06-19. Review status: criteria provided, single submitter. Criteria: GeneDx Variant Classification (06012015). Collection method: clinical testing. Allele origin: germline. Affected: yes.
Comment: This variant is considered likely benign or benign based on one or more of the following criteria: it is a conservative change, it occurs at a poorly conserved position in the protein, it is predicted to be benign by multiple in silico algorithms, and/or has population frequency not consistent with disease.